The following is an entry in ClinVar:

NM_000038.6(APC):c.6319G>C (p.Gly2107Arg)

Gene: APC (APC regulator of Wnt signaling pathway; plus strand). Cytogenetic location: 5q22.2.
Variant type: single nucleotide variant.
Coding change: c.6319G>C on transcript NM_000038.6 (MANE Select); coding-DNA position 6319, G replaced by C.
Protein change: p.Gly2107Arg; replaces glycine 2107 with arginine.
Molecular consequence: missense variant.
Genome position (GRCh38, 1-based): chr5:112,841,913, G>C. VCF-style: chr5-112841913-G-C. GRCh37 (hg19) VCF-style: chr5-112177610-G-C.
Other names: c.6319G>C (NM_000038.5); c.6319G>C, p.Gly2107Arg (NM_001127510.3, NM_001354895.2); c.6265G>C, p.Gly2089Arg (NM_001127511.3); c.6373G>C, p.Gly2125Arg (NM_001354896.2); c.6349G>C, p.Gly2117Arg (NM_001354897.2); c.6244G>C, p.Gly2082Arg (NM_001354898.2); c.6235G>C, p.Gly2079Arg (NM_001354899.2); c.6196G>C, p.Gly2066Arg (NM_001354900.2); and 6 more; short protein forms G2048R, G2107R, G1947R, G1981R, G2082R, G2016R, G2079R, G1824R.
Identifiers: ClinVar variation 1356500 (VCV001356500.9), dbSNP rs2149962291, ClinGen allele CA16035173.

ClinVar aggregate classification (germline): Uncertain significance. Review status: criteria provided, multiple submitters, no conflicts (2 of 4 stars). 2 submissions from 2 submitters: Uncertain significance (2). Last evaluated 2024-05-25.

Conditions:
Hereditary cancer-predisposing syndrome. Also called: Neoplastic Syndromes, Hereditary; Tumor predisposition; Hereditary neoplastic syndrome; Hereditary Cancer Syndrome. Identifiers: Orphanet 140162, MedGen C0027672, MeSH D009386, MONDO:0015356.
Familial adenomatous polyposis 1 (FAP1). Also called: FAMILIAL ADENOMATOUS POLYPOSIS 1, ATTENUATED; POLYPOSIS, ADENOMATOUS INTESTINAL. Identifiers: MedGen C2713442, MONDO:0021056, OMIM 175100. Disease mechanism: loss of function.

Submissions (2):

Ambry Genetics
Classification: Uncertain significance for Hereditary cancer-predisposing syndrome. Last evaluated: 2024-05-25. Review status: criteria provided, single submitter. Criteria: Ambry Variant Classification Scheme 2023. Collection method: clinical testing. Allele origin: germline.
Comment: The p.G2107R variant (also known as c.6319G>C), located in coding exon 15 of the APC gene, results from a G to C substitution at nucleotide position 6319. The glycine at codon 2107 is replaced by arginine, an amino acid with dissimilar properties. This amino acid position is conserved. In addition, in silico predictors for this gene do not accurately predict pathogenicity. Based on the available evidence, the clinical significance of this variant remains unclear.

Labcorp Genetics (formerly Invitae), Labcorp
Classification: Uncertain significance for Familial adenomatous polyposis 1. Last evaluated: 2020-12-15. Review status: criteria provided, single submitter. Criteria: Invitae Variant Classification Sherloc (09022015). Collection method: clinical testing. Allele origin: germline.
Comment: In summary, the available evidence is currently insufficient to determine the role of this variant in disease. Therefore, it has been classified as a Variant of Uncertain Significance. Algorithms developed to predict the effect of missense changes on protein structure and function are either unavailable or do not agree on the potential impact of this missense change (SIFT: "Deleterious"; PolyPhen-2: "Probably Damaging"; Align-GVGD: "Class C15"). This variant has not been reported in the literature in individuals with APC-related conditions. This variant is not present in population databases (ExAC no frequency). This sequence change replaces glycine with arginine at codon 2107 of the APC protein (p.Gly2107Arg). The glycine residue is highly conserved and there is a moderate physicochemical difference between glycine and arginine.